The following is an entry in ClinVar:

NM_014314.4(RIGI):c.572-1G>C

Gene: RIGI (RNA sensor RIG-I; minus strand). Cytogenetic location: 9p21.1.
Variant type: single nucleotide variant.
Coding change: c.572-1G>C on transcript NM_014314.4 (MANE Select); the canonical splice acceptor site of the intron before coding-DNA position 572, G replaced by C.
Molecular consequence: splice acceptor variant.
Genome position (GRCh38, 1-based): chr9:32,491,421, C>G on the plus strand (G>C on the coding strand, the complement: RIGI is on the minus strand). VCF-style: chr9-32491421-C-G. GRCh37 (hg19) VCF-style: chr9-32491419-C-G.
Other names: c.-38-1G>C (NM_001385912.1); c.557-1G>C (NM_001385913.1); c.572-1G>C (NM_001385907.1, NM_001385909.1); c.131-1G>C (NM_001385914.1, NM_001385910.1).
Identifiers: ClinVar variation 3679535 (VCV003679535.2).

ClinVar aggregate classification (germline): Uncertain significance (1 of 4 stars; one submission).

gnomAD v4.1: 1 of 1,594,424 alleles (0.000063%); highest among the groups gnomAD compares: Non-Finnish European, 0.000085%; no homozygotes.

Submission:

Labcorp Genetics (formerly Invitae), Labcorp
Classification: Uncertain significance. Last evaluated: 2024-05-01. Review status: criteria provided, single submitter. Criteria: Invitae Variant Classification Sherloc (09022015). Collection method: clinical testing. Allele origin: germline.
Comment: This sequence change affects an acceptor splice site in intron 4 of the DDX58 gene. It is expected to disrupt RNA splicing. Variants that disrupt the donor or acceptor splice site typically lead to a loss of protein function (PMID: 16199547), however the current clinical and genetic evidence is not sufficient to establish whether loss-of-function variants in DDX58 cause disease. This variant is present in population databases (no rsID available, gnomAD 0.002%). This variant has not been reported in the literature in individuals affected with DDX58-related conditions. Algorithms developed to predict the effect of sequence changes on RNA splicing suggest that this variant may disrupt the consensus splice site. In summary, the available evidence is currently insufficient to determine the role of this variant in disease. Therefore, it has been classified as a Variant of Uncertain Significance.

Literature cited by the submitters: PubMed 16199547.